The following is an entry in ClinVar:

ClinVar aggregate classification (germline): Pathogenic/Likely pathogenic. Review status: criteria provided, multiple submitters, no conflicts (2 of 4 stars). 5 submissions from 5 submitters: Pathogenic (2); Likely pathogenic (2). 1 of the submissions does not count toward it. Last evaluated 2025-03-18.

Conditions:
Pontoneocerebellar hypoplasia. Also called: Pontocerebellar hypoplasia; Non-syndromic pontocerebellar hypoplasia. Identifiers: Orphanet 98523, MedGen C1261175, MONDO:0020135.
Pontocerebellar hypoplasia type 2E. Identifiers: Orphanet 247198, MedGen C4014488, MONDO:0014370, OMIM 615851.

Allele frequency attached by ClinVar (database versions not stated): gnomAD exomes below 0.00001; TOPMed below 0.00001; gnomAD 0.00001.
gnomAD v4.1: 4 of 1,613,846 alleles (0.00025%); highest among the groups gnomAD compares: Non-Finnish European, 0.000085%; no homozygotes.

Submissions (5):

First Genomix Gene Laboratory, Genetic Diagnostics Department
Classification: Likely pathogenic for Pontocerebellar hypoplasia type 2E. Last evaluated: 2025-03-18. Review status: criteria provided, single submitter. Criteria: ACMG Guidelines, 2015. Collection method: clinical testing. Allele origin: germline. Inheritance: Autosomal recessive inheritance. Affected: no. Observed: 1 variant allele.

Labcorp Genetics (formerly Invitae), Labcorp
Classification: Pathogenic. Last evaluated: 2023-10-17. Review status: criteria provided, single submitter. Criteria: Invitae Variant Classification Sherloc (09022015). Collection method: clinical testing. Allele origin: germline.
Comment: This sequence change falls in intron 14 of the VPS53 gene. It does not directly change the encoded amino acid sequence of the VPS53 protein. It affects a nucleotide within the consensus splice site. This variant is not present in population databases (gnomAD no frequency). This variant has been observed in individual(s) with progressive cerebello-cerebral atrophy (PMID: 24577744, 30100179). It is commonly reported in individuals of Moroccan Jewish ancestry (PMID: 24577744, 30100179). ClinVar contains an entry for this variant (Variation ID: 139445). Variants that disrupt the consensus splice site are a relatively common cause of aberrant splicing (PMID: 17576681, 9536098). Algorithms developed to predict the effect of sequence changes on RNA splicing suggest that this variant may disrupt the consensus splice site. For these reasons, this variant has been classified as Pathogenic.

Women's Health and Genetics/Laboratory Corporation of America, LabCorp
Classification: Pathogenic for Pontoneocerebellar hypoplasia. Last evaluated: 2022-09-01. Review status: criteria provided, single submitter. Criteria: LabCorp Variant Classification Summary - May 2015. Collection method: clinical testing. Allele origin: germline.
Comment: Variant summary: VPS53 c.1556+5G>A alters a conserved nucleotide located close to a canonical splice site and therefore could affect mRNA splicing, leading to a significantly altered protein sequence. Several computational tools predict a significant impact on normal splicing: Two predict the variant abolishes a 5' splicing donor site and two predict it weakens a 5' donor site. Experimental evidence supports these predictions indicating the variant generates an aberrant/unstable transcript (Feinstein_2014). The variant was absent in 251280 control chromosomes (gnomAD). c.1556+5G>A has been reported in the literature in multiple compound heterozygous individuals affected with Pontocerebellar Hypoplasia, Type 2E (example, Feinstein_2014 and Hady-Cohen_2018). These data indicate that the variant is very likely to be associated with disease. No clinical diagnostic laboratories have submitted clinical-significance assessments for this variant to ClinVar after 2014. Based on the evidence outlined above, the variant was classified as pathogenic.

Fulgent Genetics
Classification: Likely pathogenic for Pontocerebellar hypoplasia type 2E. Last evaluated: 2021-11-12. Review status: criteria provided, single submitter. Criteria: ACMG Guidelines, 2015. Collection method: clinical testing. Allele origin: unknown.

OMIM
Classification: Pathogenic for PONTOCEREBELLAR HYPOPLASIA, TYPE 2E. Last evaluated: 2014-05-01. Review status: no assertion criteria provided. Collection method: literature only. Allele origin: germline. Not counted in ClinVar's aggregate classification.

Literature cited by the submitters: PubMed 24577744 (cited by 3 submitters); PubMed 30100179 (cited by Labcorp Genetics (formerly Invitae), Labcorp and Women's Health and Genetics/Laboratory Corporation of America, LabCorp); PubMed 17576681 (cited by Labcorp Genetics (formerly Invitae), Labcorp); PubMed 9536098 (cited by Labcorp Genetics (formerly Invitae), Labcorp).

NM_001128159.3(VPS53):c.1556+5G>A

Gene: VPS53 (VPS53 subunit of GARP complex; minus strand). Cytogenetic location: 17p13.3.
Variant type: single nucleotide variant.
Coding change: c.1556+5G>A on transcript NM_001128159.3 (MANE Select); 5 bases into the intron after coding-DNA position 1556, G replaced by A.
Molecular consequence: intron variant.
Genome position (GRCh38, 1-based): chr17:562,498, C>T on the plus strand (G>A on the coding strand, the complement: VPS53 is on the minus strand). VCF-style: chr17-562498-C-T. GRCh37 (hg19) VCF-style: chr17-465738-C-T.
Other names: IVS14DS, G-A, +5; c.1469+5G>A (NM_018289.4); c.1556+5G>A (NM_001366253.2); c.962+5G>A (NM_001366254.2).
Identifiers: ClinVar variation 139445 (VCV000139445.7), dbSNP rs587777466, ClinGen allele CA163217.